The following is an entry in ClinVar:

ClinVar aggregate classification (germline): Uncertain significance. Review status: criteria provided, single submitter (1 of 4 stars). 2 submissions from 2 submitters: Uncertain significance (1). 1 of the submissions does not count toward it. Last evaluated 2024-04-29.

Conditions:
CFB-related disorder. Also called: CFB-related disorders; CFB-related condition.

Allele frequency attached by ClinVar (database versions not stated): gnomAD 0.00001; gnomAD exomes 0.00001.

Submissions (2):

Labcorp Genetics (formerly Invitae), Labcorp
Classification: Uncertain significance. Last evaluated: 2024-04-29. Review status: criteria provided, single submitter. Criteria: Invitae Variant Classification Sherloc (09022015). Collection method: clinical testing. Allele origin: germline.
Comment: This sequence change falls in intron 1 of the CFB gene. It does not directly change the encoded amino acid sequence of the CFB protein. It affects a nucleotide within the consensus splice site. This variant is present in population databases (no rsID available, gnomAD 0.002%). This variant has not been reported in the literature in individuals affected with CFB-related conditions. Variants that disrupt the consensus splice site are a relatively common cause of aberrant splicing (PMID: 17576681, 9536098). Algorithms developed to predict the effect of sequence changes on RNA splicing suggest that this variant is not likely to affect RNA splicing. In summary, the available evidence is currently insufficient to determine the role of this variant in disease. Therefore, it has been classified as a Variant of Uncertain Significance.

PreventionGenetics, part of Exact Sciences
Classification: Likely benign for CFB-related condition. Last evaluated: 2024-01-04. Review status: no assertion criteria provided. Collection method: clinical testing. Allele origin: germline. Not counted in ClinVar's aggregate classification.
Comment: This variant is classified as likely benign based on ACMG/AMP sequence variant interpretation guidelines (Richards et al. 2015 PMID: 25741868, with internal and published modifications).

Literature cited by the submitters: PubMed 17576681 (cited by Labcorp Genetics (formerly Invitae), Labcorp); PubMed 9536098 (cited by Labcorp Genetics (formerly Invitae), Labcorp).

NM_001710.6(CFB):c.64+6C>T

Gene: CFB (complement factor B; plus strand). Cytogenetic location: 6p21.33.
Variant type: single nucleotide variant.
Coding change: c.64+6C>T on transcript NM_001710.6 (MANE Select); 6 bases into the intron after coding-DNA position 64, C replaced by T.
Molecular consequence: intron variant.
Genome position (GRCh38, 1-based): chr6:31,946,291, C>T. VCF-style: chr6-31946291-C-T. GRCh37 (hg19) VCF-style: chr6-31914068-C-T.
Other names: c.64+6C>T (NM_001710.5).
Identifiers: ClinVar variation 2989031 (VCV002989031.5), dbSNP rs933931422, ClinGen allele CA136893223.